The following is an entry in ClinVar:

NM_000020.3(ACVRL1):c.5C>T (p.Thr2Ile)

Gene: ACVRL1 (activin A receptor like type 1; plus strand). Cytogenetic location: 12q13.13.
Variant type: single nucleotide variant.
Coding change: c.5C>T on transcript NM_000020.3 (MANE Select); coding-DNA position 5, C replaced by T.
Protein change: p.Thr2Ile; replaces threonine 2 with isoleucine.
Molecular consequence: missense variant.
Genome position (GRCh38, 1-based): chr12:51,912,479, C>T. VCF-style: chr12-51912479-C-T. GRCh37 (hg19) VCF-style: chr12-52306263-C-T.
Other names: c.5C>T, p.Thr2Ile (NM_001077401.2); short protein forms T2I.
Identifiers: ClinVar variation 850758 (VCV000850758.9), dbSNP rs373062714, ClinGen allele CA6572777.

ClinVar aggregate classification (germline): Conflicting classifications of pathogenicity. Review status: criteria provided, conflicting classifications (1 of 4 stars). 3 submissions from 3 submitters: Uncertain significance (2); Likely benign (1). Last evaluated 2026-06-29.

Conditions:
Cardiovascular phenotype. Identifiers: MedGen CN230736.
Telangiectasia, hereditary hemorrhagic, type 2 (HHT2). Also called: ACVRL1-Related Hereditary Hemorrhagic Telangiectasia; Telangiectasia, hereditary hemorrhagic, type II. Identifiers: Orphanet 774, MedGen C1838163, MONDO:0010880, OMIM 600376. Disease mechanism: loss of function.

Allele frequency attached by ClinVar (database versions not stated): gnomAD 0.00004; gnomAD exomes 0.00004 and 0.00007; ExAC 0.00006; TOPMed 0.00003; ESP Exome Variant Server 0.00008.
gnomAD v4.1: 115 of 1,614,046 alleles (0.0071%); highest among the groups gnomAD compares: South Asian, 0.0088%; no homozygotes.

Submissions (3):

Ambry Genetics
Classification: Likely benign for Cardiovascular phenotype. Last evaluated: 2026-06-29. Review status: criteria provided, single submitter. Criteria: Ambry Variant Classification Scheme 2023. Collection method: clinical testing. Allele origin: germline.

GeneDx
Classification: Uncertain significance. Last evaluated: 2024-12-26. Review status: criteria provided, single submitter. Criteria: GeneDx Variant Classification Process June 2021. Collection method: clinical testing. Allele origin: germline. Affected: yes.
Comment: In silico analysis supports that this missense variant has a deleterious effect on protein structure/function; Has not been previously published as pathogenic or benign to our knowledge

Labcorp Genetics (formerly Invitae), Labcorp
Classification: Uncertain significance for Telangiectasia, hereditary hemorrhagic, type 2. Last evaluated: 2023-11-14. Review status: criteria provided, single submitter. Criteria: Invitae Variant Classification Sherloc (09022015). Collection method: clinical testing. Allele origin: germline.
Comment: This sequence change replaces threonine, which is neutral and polar, with isoleucine, which is neutral and non-polar, at codon 2 of the ACVRL1 protein (p.Thr2Ile). This variant is present in population databases (rs373062714, gnomAD 0.02%). This variant has not been reported in the literature in individuals affected with ACVRL1-related conditions. ClinVar contains an entry for this variant (Variation ID: 850758). Advanced modeling of protein sequence and biophysical properties (such as structural, functional, and spatial information, amino acid conservation, physicochemical variation, residue mobility, and thermodynamic stability) performed at Invitae indicates that this missense variant is not expected to disrupt ACVRL1 protein function with a negative predictive value of 95%. In summary, the available evidence is currently insufficient to determine the role of this variant in disease. Therefore, it has been classified as a Variant of Uncertain Significance.